The following is an entry in ClinVar:

ClinVar aggregate classification (germline): Uncertain significance (1 of 4 stars; one submission).

Allele frequency attached by ClinVar (database versions not stated): gnomAD exomes below 0.00001; TOPMed below 0.00001; ExAC 0.00001.
gnomAD v4.1: 2 of 1,607,404 alleles (0.00012%); highest among the groups gnomAD compares: Non-Finnish European, 0.00017%; no homozygotes.

Submission:

Labcorp Genetics (formerly Invitae), Labcorp
Classification: Uncertain significance. Last evaluated: 2023-07-17. Review status: criteria provided, single submitter. Criteria: Invitae Variant Classification Sherloc (09022015). Collection method: clinical testing. Allele origin: germline.
Comment: This sequence change falls in intron 10 of the ASPM gene. It does not directly change the encoded amino acid sequence of the ASPM protein. This variant is present in population databases (rs768594821, gnomAD 0.0009%). This variant has not been reported in the literature in individuals affected with ASPM-related conditions. ClinVar contains an entry for this variant (Variation ID: 1465899). Algorithms developed to predict the effect of sequence changes on RNA splicing suggest that this variant may disrupt the consensus splice site. In summary, the available evidence is currently insufficient to determine the role of this variant in disease. Therefore, it has been classified as a Variant of Uncertain Significance.

NM_018136.5(ASPM):c.2936+7A>G

Gene: ASPM (assembly factor for spindle microtubules; minus strand). Cytogenetic location: 1q31.3.
Variant type: single nucleotide variant.
Coding change: c.2936+7A>G on transcript NM_018136.5 (MANE Select); 7 bases into the intron after coding-DNA position 2936, A replaced by G.
Molecular consequence: intron variant.
Genome position (GRCh38, 1-based): chr1:197,128,483, T>C on the plus strand (A>G on the coding strand, the complement: ASPM is on the minus strand). VCF-style: chr1-197128483-T-C. GRCh37 (hg19) VCF-style: chr1-197097613-T-C.
Other names: c.2936+7A>G (NM_001206846.2).
Identifiers: ClinVar variation 1465899 (VCV001465899.8), dbSNP rs768594821, ClinGen allele CA1310317.